The following is an entry in ClinVar:

NM_002465.4(MYBPC1):c.2675T>G (p.Ile892Arg)

Gene: MYBPC1 (myosin binding protein C1; plus strand). Cytogenetic location: 12q23.2.
Variant type: single nucleotide variant.
Coding change: c.2675T>G on transcript NM_002465.4 (MANE Select); coding-DNA position 2675, T replaced by G.
Protein change: p.Ile892Arg; replaces isoleucine 892 with arginine.
Molecular consequence: missense variant.
Genome position (GRCh38, 1-based): chr12:101,673,488, T>G. VCF-style: chr12-101673488-T-G. GRCh37 (hg19) VCF-style: chr12-102067266-T-G.
Other names: c.2654T>G, p.Ile885Arg (NM_001254718.3, NM_206820.4); c.2600T>G, p.Ile867Arg (NM_001254719.3, NM_206821.4); c.2564T>G, p.Ile855Arg (NM_001254720.3); c.2543T>G, p.Ile848Arg (NM_001254721.3, NM_001404676.1, NM_001404678.1); c.2522T>G, p.Ile841Arg (NM_001254722.3, NM_001404680.1); c.2561T>G, p.Ile854Arg (NM_001254723.3); c.2675T>G, p.Ile892Arg (NM_001404675.1, NM_206819.4); c.2465T>G, p.Ile822Arg (NM_001404677.1, NM_001404679.1, NM_001404681.1); short protein forms I822R, I841R, I848R, I854R, I855R, I867R, I885R, I892R.
Identifiers: ClinVar variation 1722809 (VCV001722809.2), dbSNP rs1180989423, ClinGen allele CA386274456.

ClinVar aggregate classification (germline): Uncertain significance (1 of 4 stars; one submission).

Allele frequency attached by ClinVar (database versions not stated): TOPMed 0.00001.

Submission:

GeneDx
Classification: Uncertain significance. Last evaluated: 2022-04-30. Review status: criteria provided, single submitter. Criteria: GeneDx Variant Classification Process June 2021. Collection method: clinical testing. Allele origin: germline. Affected: yes.
Comment: Not observed at significant frequency in large population cohorts (gnomAD); In silico analysis supports that this missense variant has a deleterious effect on protein structure/function; Has not been previously published as pathogenic or benign to our knowledge